The following is an entry in ClinVar:

NM_005879.3(TRAIP):c.1208G>C (p.Arg403Thr)

Gene: TRAIP (TRAF interacting protein; minus strand). Cytogenetic location: 3p21.31.
Variant type: single nucleotide variant.
Coding change: c.1208G>C on transcript NM_005879.3 (MANE Select); coding-DNA position 1208, G replaced by C.
Protein change: p.Arg403Thr; replaces arginine 403 with threonine.
Molecular consequence: missense variant.
Genome position (GRCh38, 1-based): chr3:49,829,645, C>G on the plus strand (G>C on the coding strand, the complement: TRAIP is on the minus strand). VCF-style: chr3-49829645-C-G. GRCh37 (hg19) VCF-style: chr3-49867078-C-G.
Other names: short protein forms R403T.
Identifiers: ClinVar variation 4718614 (VCV004718614.1).

ClinVar aggregate classification (germline): Uncertain significance (1 of 4 stars; one submission).

Submission:

Labcorp Genetics (formerly Invitae), Labcorp
Classification: Uncertain significance. Last evaluated: 2026-01-05. Review status: criteria provided, single submitter. Criteria: Invitae Variant Classification Sherloc (09022015). Collection method: clinical testing. Allele origin: germline.
Comment: This sequence change replaces arginine, which is basic and polar, with threonine, which is neutral and polar, at codon 403 of the TRAIP protein (p.Arg403Thr). This variant is not present in population databases (gnomAD no frequency). This variant has not been reported in the literature in individuals affected with TRAIP-related conditions. An algorithm developed to predict the effect of missense changes on protein structure and function outputs the following: PolyPhen-2: "Benign". The threonine amino acid residue is found in multiple mammalian species, which suggests that this missense change does not adversely affect protein function. In summary, the available evidence is currently insufficient to determine the role of this variant in disease. Therefore, it has been classified as a Variant of Uncertain Significance.